The following is an entry in ClinVar:

ClinVar aggregate classification (germline): Uncertain significance (0 of 4 stars; one submission).

Conditions:
AFF4-related disorder. Also called: AFF4-related condition.

Submission:

PreventionGenetics, part of Exact Sciences
Classification: Uncertain significance for AFF4-related condition. Last evaluated: 2024-05-01. Review status: no assertion criteria provided. Collection method: clinical testing. Allele origin: germline.
Comment: The AFF4 c.296A>G variant is predicted to result in the amino acid substitution p.His99Arg. To our knowledge, this variant has not been reported in the literature. This variant is reported in 0.011% of alleles in individuals of Latino descent in gnomAD. At this time, the clinical significance of this variant is uncertain due to the absence of conclusive functional and genetic evidence.

NM_014423.4(AFF4):c.296A>G (p.His99Arg)

Gene: AFF4 (ALF transcription elongation factor 4; minus strand). Cytogenetic location: 5q31.1.
Variant type: single nucleotide variant.
Coding change: c.296A>G on transcript NM_014423.4 (MANE Select); coding-DNA position 296, A replaced by G.
Protein change: p.His99Arg; replaces histidine 99 with arginine.
Molecular consequence: missense variant.
Genome position (GRCh38, 1-based): chr5:132,934,769, T>C on the plus strand (A>G on the coding strand, the complement: AFF4 is on the minus strand). VCF-style: chr5-132934769-T-C. GRCh37 (hg19) VCF-style: chr5-132270461-T-C.
Other names: short protein forms H99R.
Identifiers: ClinVar variation 3352714 (VCV003352714.1).